The following is an entry in ClinVar:

ClinVar aggregate classification (germline): Uncertain significance (1 of 4 stars; one submission).

Submission:

GeneDx
Classification: Uncertain significance. Last evaluated: 2019-04-29. Review status: criteria provided, single submitter. Criteria: GeneDx Variant Classification Process June 2021. Collection method: clinical testing. Allele origin: germline. Affected: yes.
Comment: Not observed in large population cohorts (Lek et al., 2016); Splice site variant predicted to result in an in-frame deletion of exon 8; Has not been previously published as pathogenic or benign to our knowledge

NM_007325.5(GRIA3):c.1185+5G>A

Gene: GRIA3 (glutamate ionotropic receptor AMPA type subunit 3; plus strand). Cytogenetic location: Xq25.
Variant type: single nucleotide variant.
Coding change: c.1185+5G>A on transcript NM_007325.5 (MANE Select); 5 bases into the intron after coding-DNA position 1185, G replaced by A.
Molecular consequence: intron variant.
Genome position (GRCh38, 1-based): chrX:123,403,103, G>A. VCF-style: chrX-123403103-G-A. GRCh37 (hg19) VCF-style: chrX-122536954-G-A.
Other names: c.1185+5G>A (NM_000828.5).
Identifiers: ClinVar variation 1305281 (VCV001305281.2), dbSNP rs2147383727, ClinGen allele CA2573055090.
Genomic context (GRCh38, chrX:123,403,103, plus strand): 5'-GTAGGACAAATTATACCATCGATGTGTATGAAATGAAAGTCAGTGGCTCTCGAAAAGTAA[G>A]TAACCAAAACAGACATTTAAAGAAAAGGACTCTTGAAAGAGGACAGCATTTGGATGTAAG-3'